The following is an entry in ClinVar:

NM_001039569.2(AP1S3):c.3+8C>A

Genes: AP1S3 (adaptor related protein complex 1 subunit sigma 3; minus strand), LOC129935691 (ATAC-STARR-seq lymphoblastoid silent region 12376; plus strand). Cytogenetic location: 2q36.1.
Variant type: single nucleotide variant.
Coding change: c.3+8C>A on transcript NM_001039569.2 (MANE Select); 8 bases into the intron after coding-DNA position 3, C replaced by A.
Molecular consequence: intron variant.
Genome position (GRCh38, 1-based): chr2:223,837,440, G>T on the plus strand (C>A on the coding strand, the complement: AP1S3 is on the minus strand). VCF-style: chr2-223837440-G-T. GRCh37 (hg19) VCF-style: chr2-224702157-G-T.
Other names: NC_000002.11:g.224702157G>T; c.3+8C>A (NM_001039569.1).
Identifiers: ClinVar variation 1285186 (VCV001285186.6), dbSNP rs758275363, ClinGen allele CA2138447.

ClinVar aggregate classification (germline): Likely benign. Review status: criteria provided, single submitter (1 of 4 stars). 4 submissions from 4 submitters: Likely benign (1). 3 of the submissions do not count toward it. Last evaluated 2024-11-07.

Conditions:
AP1S3-related disorder. Also called: AP1S3-related condition.

gnomAD v4.1: 253 of 1,248,324 alleles (0.02%); highest among the groups gnomAD compares: Middle Eastern, 0.091%; no homozygotes.

Submissions (5):

Blueprint Genetics
Classification: Likely benign. Last evaluated: 2024-11-07. Review status: criteria provided, single submitter. Criteria: ACMG Guidelines, 2015. Collection method: clinical testing. Allele origin: germline.

PreventionGenetics, part of Exact Sciences
Classification: Likely benign for AP1S3-related condition. Last evaluated: 2019-12-18. Review status: no assertion criteria provided. Collection method: clinical testing. Allele origin: germline. Not counted in ClinVar's aggregate classification.
Comment: This variant is classified as likely benign based on ACMG/AMP sequence variant interpretation guidelines (Richards et al. 2015 PMID: 25741868, with internal and published modifications).

Clinical Genetics DNA and cytogenetics Diagnostics Lab, Erasmus MC, Erasmus Medical Center
Classification: Likely benign. Review status: no assertion criteria provided. Collection method: clinical testing. Allele origin: germline. Affected: yes. Study: VKGL Data-share Consensus. Not counted in ClinVar's aggregate classification.

Dr. Peter K. Rogan Lab, Western University
No classification provided (evidence only). Condition: Gastric cancer. Review status: no classification provided. Collection method: in vitro. Allele origin: not applicable. Functional consequence: retained intron. Not counted in ClinVar's aggregate classification.

Genome Diagnostics Laboratory, University Medical Center Utrecht
Classification: Likely benign. Review status: no assertion criteria provided. Collection method: clinical testing. Allele origin: germline. Affected: yes. Study: VKGL Data-share Consensus. Not counted in ClinVar's aggregate classification.